The following is an entry in ClinVar:

NM_003632.3(CNTNAP1):c.2956G>C (p.Asp986His)

Gene: CNTNAP1 (contactin associated protein 1; plus strand). Cytogenetic location: 17q21.2.
Variant type: single nucleotide variant.
Coding change: c.2956G>C on transcript NM_003632.3 (MANE Select); coding-DNA position 2956, G replaced by C.
Protein change: p.Asp986His; replaces aspartic acid 986 with histidine.
Molecular consequence: missense variant.
Genome position (GRCh38, 1-based): chr17:42,693,500, G>C. VCF-style: chr17-42693500-G-C. GRCh37 (hg19) VCF-style: chr17-40845518-G-C.
Other names: short protein forms D986H.
Identifiers: ClinVar variation 2978469 (VCV002978469.3), dbSNP rs749504437, ClinGen allele CA8582198.

ClinVar aggregate classification (germline): Uncertain significance (1 of 4 stars; one submission).

Allele frequency attached by ClinVar (database versions not stated): ExAC 0.00001; gnomAD exomes 0.00001; TOPMed 0.00001.

Submission:

Labcorp Genetics (formerly Invitae), Labcorp
Classification: Uncertain significance. Last evaluated: 2023-08-03. Review status: criteria provided, single submitter. Criteria: Invitae Variant Classification Sherloc (09022015). Collection method: clinical testing. Allele origin: germline.
Comment: An algorithm developed to predict the effect of missense changes on protein structure and function (PolyPhen-2) suggests that this variant is likely to be tolerated. This sequence change replaces aspartic acid, which is acidic and polar, with histidine, which is basic and polar, at codon 986 of the CNTNAP1 protein (p.Asp986His). This variant is present in population databases (rs749504437, gnomAD 0.01%). This variant has not been reported in the literature in individuals affected with CNTNAP1-related conditions. In summary, the available evidence is currently insufficient to determine the role of this variant in disease. Therefore, it has been classified as a Variant of Uncertain Significance.